The following is an entry in ClinVar:

ClinVar aggregate classification (germline): Uncertain significance. Review status: criteria provided, multiple submitters, no conflicts (2 of 4 stars). 2 submissions from 2 submitters: Uncertain significance (2). Last evaluated 2025-05-05.

Conditions:
Inborn genetic diseases. Identifiers: MedGen C0950123, MeSH D030342.

Allele frequency attached by ClinVar (database versions not stated): ExAC 0.00003; TOPMed 0.00005; gnomAD 0.00006.
gnomAD v4.1: 28 of 1,612,362 alleles (0.0017%); highest among the groups gnomAD compares: African/African-American, 0.0053%; no homozygotes.

Submissions (2):

Ambry Genetics
Classification: Uncertain significance for Inborn genetic diseases. Last evaluated: 2025-05-05. Review status: criteria provided, single submitter. Criteria: Ambry Variant Classification Scheme 2023. Collection method: clinical testing. Allele origin: germline.

Labcorp Genetics (formerly Invitae), Labcorp
Classification: Uncertain significance. Last evaluated: 2022-08-05. Review status: criteria provided, single submitter. Criteria: Invitae Variant Classification Sherloc (09022015). Collection method: clinical testing. Allele origin: germline.
Comment: This sequence change replaces proline, which is neutral and non-polar, with leucine, which is neutral and non-polar, at codon 210 of the ADAMTS17 protein (p.Pro210Leu). This variant is present in population databases (rs768045774, gnomAD 0.02%). This variant has not been reported in the literature in individuals affected with ADAMTS17-related conditions. Algorithms developed to predict the effect of missense changes on protein structure and function output the following: SIFT: "Not Available"; PolyPhen-2: "Benign"; Align-GVGD: "Not Available". The leucine amino acid residue is found in multiple mammalian species, which suggests that this missense change does not adversely affect protein function. In summary, the available evidence is currently insufficient to determine the role of this variant in disease. Therefore, it has been classified as a Variant of Uncertain Significance.

NM_139057.4(ADAMTS17):c.629C>T (p.Pro210Leu)

Gene: ADAMTS17 (ADAM metallopeptidase with thrombospondin type 1 motif 17; minus strand). Cytogenetic location: 15q26.3.
Variant type: single nucleotide variant.
Coding change: c.629C>T on transcript NM_139057.4 (MANE Select); coding-DNA position 629, C replaced by T.
Protein change: p.Pro210Leu; replaces proline 210 with leucine.
Molecular consequence: missense variant.
Genome position (GRCh38, 1-based): chr15:100,281,389, G>A on the plus strand (C>T on the coding strand, the complement: ADAMTS17 is on the minus strand). VCF-style: chr15-100281389-G-A. GRCh37 (hg19) VCF-style: chr15-100821594-G-A.
Other names: c.629C>T (NM_139057.2); short protein forms P210L.
Identifiers: ClinVar variation 2414694 (VCV002414694.7), dbSNP rs768045774, ClinGen allele CA7758641.